The following is an entry in ClinVar:

NM_002087.4(GRN):c.498G>A (p.Pro166=)

Gene: GRN (granulin precursor; plus strand). Cytogenetic location: 17q21.31.
Variant type: single nucleotide variant.
Coding change: c.498G>A on transcript NM_002087.4 (MANE Select); coding-DNA position 498, G replaced by A.
Protein change: p.Pro166=; no amino-acid change (proline 166 retained).
Molecular consequence: synonymous variant.
Genome position (GRCh38, 1-based): chr17:44,350,477, G>A. VCF-style: chr17-44350477-G-A. GRCh37 (hg19) VCF-style: chr17-42427845-G-A.
Other names: p.Pro166=; c.498G>A (NM_002087.3).
Identifiers: ClinVar variation 1616870 (VCV001616870.10), dbSNP rs141873754, ClinGen allele CA8601919.

ClinVar aggregate classification (germline): Likely benign. Review status: criteria provided, multiple submitters, no conflicts (2 of 4 stars). 3 submissions from 3 submitters: Likely benign (3). Last evaluated 2025-09-22.

Conditions:
Neuronal ceroid lipofuscinosis 11. Also called: GRN-Related Neuronal Ceroid-Lipofuscinosis. Identifiers: Orphanet 314629, Orphanet 79262, MedGen C3539123, MONDO:0013866, OMIM 614706.
GRN-related frontotemporal lobar degeneration with Tdp43 inclusions (FTD2). Also called: DEMENTIA, HEREDITARY DYSPHASIC DISINHIBITION; FRONTOTEMPORAL LOBAR DEGENERATION WITH UBIQUITIN-POSITIVE INCLUSIONS; FTLD-TDP, GRN-RELATED; FRONTOTEMPORAL DEMENTIA WITH TDP43 INCLUSIONS, GRN-RELATED; GRN Frontotemporal Dementia. Identifiers: Orphanet 100070, Orphanet 282, MedGen C1843792, MONDO:0011842, OMIM 607485. Disease mechanism: loss of function.

Allele frequency attached by ClinVar (database versions not stated): gnomAD 0.00001; gnomAD exomes 0.00002 and 0.00004; ExAC 0.00003; TOPMed 0.00004; ESP Exome Variant Server 0.00008.

Submissions (3):

Mayo Clinic Laboratories, Mayo Clinic
Classification: Likely benign. Last evaluated: 2025-09-22. Review status: criteria provided, single submitter. Criteria: ACMG Guidelines, 2015. Collection method: clinical testing. Allele origin: germline. Observed: 2 variant alleles.
Comment: BP4, BP7

Labcorp Genetics (formerly Invitae), Labcorp
Classification: Likely benign for Neuronal ceroid lipofuscinosis 11; GRN-related frontotemporal lobar degeneration with Tdp43 inclusions. Last evaluated: 2025-06-16. Review status: criteria provided, single submitter. Criteria: Invitae Variant Classification Sherloc (09022015). Collection method: clinical testing. Allele origin: germline.

Blueprint Genetics
Classification: Likely benign. Last evaluated: 2022-09-06. Review status: criteria provided, single submitter. Criteria: ACMG Guidelines, 2015. Collection method: clinical testing. Allele origin: germline.